The following is an entry in ClinVar:

NM_000474.4(TWIST1):c.301C>T (p.Gln101Ter)

Gene: TWIST1 (twist family bHLH transcription factor 1; minus strand). Cytogenetic location: 7p21.1.
Variant type: single nucleotide variant.
Coding change: c.301C>T on transcript NM_000474.4 (MANE Select); coding-DNA position 301, C replaced by T.
Protein change: p.Gln101Ter; replaces glutamine 101 with a stop codon.
Molecular consequence: nonsense. On other transcripts: non-coding transcript variant (1).
Genome position (GRCh38, 1-based): chr7:19,117,021, G>A on the plus strand (C>T on the coding strand, the complement: TWIST1 is on the minus strand). VCF-style: chr7-19117021-G-A. GRCh37 (hg19) VCF-style: chr7-19156644-G-A.
Other names: short protein forms Q101*.
Identifiers: ClinVar variation 575739 (VCV000575739.7), dbSNP rs1563160116, ClinGen allele CA367015728.
Genomic context (GRCh38, chr7:19,117,021, plus strand): 5'-TGCGCTGGCGCTCCCGCACGTTGGCCATGACCCGCTGCGTCTGCAGCTCCTCGTAAGACT[G>A]CGGACTCCCGCCGCCGCTGCTGCTGCCGCCGCCGCCGCCCGCGCCGCCGCCGCCGCCACA-3'

ClinVar aggregate classification (germline): Pathogenic/Likely pathogenic. Review status: criteria provided, multiple submitters, no conflicts (2 of 4 stars). 3 submissions from 3 submitters: Pathogenic (1); Likely pathogenic (2). Last evaluated 2024-06-26.

Conditions:
TWIST1-related disorder.
Saethre-Chotzen syndrome (SCS). Also called: CHOTZEN SYNDROME; ACROCEPHALY, SKULL ASYMMETRY, AND MILD SYNDACTYLY; ACS III. Identifiers: Orphanet 794, MedGen C0175699, MONDO:0007042, OMIM 101400.
TWIST1-related craniosynostosis (CRS1). Also called: CRANIOSYNOSTOSIS 1. Identifiers: Orphanet 63440, MedGen C4551902, MONDO:0007399, OMIM 123100. Inheritance: Heterogenous inheritance pattern.

Submissions (3):

Labcorp Genetics (formerly Invitae), Labcorp
Classification: Pathogenic for TWIST1-related craniosynostosis; Saethre-Chotzen syndrome. Last evaluated: 2024-06-26. Review status: criteria provided, single submitter. Criteria: Invitae Variant Classification Sherloc (09022015). Collection method: clinical testing. Allele origin: germline.
Comment: This sequence change creates a premature translational stop signal (p.Gln101*) in the TWIST1 gene. It is expected to result in an absent or disrupted protein product. Loss-of-function variants in TWIST1 are known to be pathogenic (PMID: 10749989). This variant is not present in population databases (gnomAD no frequency). This variant has not been reported in the literature in individuals affected with TWIST1-related conditions. ClinVar contains an entry for this variant (Variation ID: 575739). For these reasons, this variant has been classified as Pathogenic.

Blueprint Genetics
Classification: Likely pathogenic for TWIST1-related disorders. Last evaluated: 2023-10-20. Review status: criteria provided, single submitter. Criteria: ACMG Guidelines, 2015. Collection method: clinical testing. Allele origin: germline. Affected: yes. Observed: 1 variant allele.

GeneDx
Classification: Likely pathogenic. Last evaluated: 2018-10-17. Review status: criteria provided, single submitter. Criteria: GeneDx Variant Classification (06012015). Collection method: clinical testing. Allele origin: germline. Affected: yes.
Comment: The Q101X variant in the TWIST1 gene has not been reported previously as a pathogenic variant nor as a benign variant, to our knowledge. This variant is predicted to cause loss of normal protein function through protein truncation, as the last 102 amino acids are lost. The Q101X variant is not observed in large population cohorts (Lek et al., 2016). We interpret Q101X as a likely pathogenic variant.

Literature cited by the submitters: PubMed 10749989 (cited by Labcorp Genetics (formerly Invitae), Labcorp).